The following is an entry in ClinVar:

NM_053025.4(MYLK):c.2013del (p.Phe671fs)

Gene: MYLK (myosin light chain kinase; minus strand). Cytogenetic location: 3q21.1.
Variant type: Deletion.
Coding change: c.2013del on transcript NM_053025.4 (MANE Select); coding-DNA position 2013, one base deleted (T; older notation c.2013delT).
Protein change: p.Phe671fs; shifts the reading frame from phenylalanine 671.
Molecular consequence: frameshift variant.
Genome position (GRCh38, 1-based): chr3:123,708,825, A deleted on the plus strand (T on the coding strand, the reverse complement: MYLK is on the minus strand); the first of 3 consecutive A bases (chr3:123,708,825-123,708,827); deleting any one gives the same sequence. VCF-style (leftmost placement, unchanged base first): chr3-123708824-CA-C. GRCh37 (hg19) VCF-style: chr3-123427671-CA-C.
Other names: c.1485del, p.Phe495fs (NM_001321309.2); c.1806del, p.Phe602fs (NM_053026.4, NM_053028.4); c.2013del, p.Phe671fs (NM_053027.4); short protein forms F495fs, F671fs, F602fs.
Identifiers: ClinVar variation 5025217 (VCV005025217.1).

ClinVar aggregate classification (germline): Uncertain significance (1 of 4 stars; one submission).

Conditions:
Familial thoracic aortic aneurysm and aortic dissection (TAAD). Also called: Thoracic aortic aneurysms and dissections. Identifiers: Orphanet 91387, MedGen C4707243, MONDO:0019625.

Submission:

Ambry Genetics
Classification: Uncertain significance for Familial thoracic aortic aneurysm and aortic dissection. Last evaluated: 2026-09-10. Review status: criteria provided, single submitter. Criteria: Ambry Variant Classification Scheme 2023. Collection method: clinical testing. Allele origin: germline.
Comment: The c.2013delT variant, located in coding exon 12 of the MYLK gene, results from a deletion of one nucleotide at nucleotide position 2013, causing a translational frameshift with a predicted alternate stop codon (p.F671Lfs*60). This variant is expected to result in loss of function due to an abnormal transcript, a translational frameshift leading to premature truncation, or nonsense-mediated mRNA decay. However, this alteration impacts only the long, nonmuscle MYLK isoform. While loss of function alterations that impact both the long and short MYLK isoforms have been reported in many patients with thoracic aortic aneurysms and dissections (TAAD), similar data is lacking for alterations that affect only the long isoform (Wallace SE et al. Genet Med 2019 01;21(1):144-151; Ambry internal data). Since supporting evidence is limited at this time, the clinical significance of this alteration remains unclear.